The following is an entry in ClinVar:

ClinVar aggregate classification (germline): Uncertain significance (1 of 4 stars; one submission).

Conditions:
TTN-related disorder. Also called: TTN-related disorders; TTN-related condition; TTN-related disease.

Allele frequency attached by ClinVar (database versions not stated): TOPMed below 0.00001; gnomAD 0.00001; gnomAD exomes 0.00001.
gnomAD v4.1: 17 of 1,613,446 alleles (0.0011%); highest among the groups gnomAD compares: Non-Finnish European, 0.0014%; no homozygotes.

Submission:

PreventionGenetics, part of Exact Sciences
Classification: Uncertain significance for TTN-related condition. Last evaluated: 2026-09-22. Review status: criteria provided, single submitter. Criteria: ACMG Guidelines, 2015. Collection method: clinical testing. Allele origin: germline.
Comment: The TTN c.75230A>G variant is predicted to result in the amino acid substitution p.Tyr25077Cys. To our knowledge, this variant has not been reported in the literature or in a large population database (gnomAD), indicating this variant is rare. At this time, the clinical significance of this variant is uncertain due to the absence of conclusive functional and genetic evidence.

NM_001267550.2(TTN):c.75230A>G (p.Tyr25077Cys)

Genes: TTN (titin; minus strand), TTN-AS1 (TTN antisense RNA 1; plus strand). Cytogenetic location: 2q31.2.
Variant type: single nucleotide variant.
Coding change: c.75230A>G on transcript NM_001267550.2 (MANE Select); coding-DNA position 75230, A replaced by G.
Protein change: p.Tyr25077Cys; replaces tyrosine 25077 with cysteine.
Molecular consequence: missense variant.
Genome position (GRCh38, 1-based): chr2:178,570,902, T>C on the plus strand (A>G on the coding strand, the complement: TTN is on the minus strand). VCF-style: chr2-178570902-T-C. GRCh37 (hg19) VCF-style: chr2-179435629-T-C.
Other names: c.70307A>G, p.Tyr23436Cys (NM_001256850.1); c.48035A>G, p.Tyr16012Cys (NM_003319.4); c.67526A>G, p.Tyr22509Cys (NM_133378.4); c.48410A>G, p.Tyr16137Cys (NM_133432.3); c.48611A>G, p.Tyr16204Cys (NM_133437.4); short protein forms Y16012C, Y16137C, Y16204C, Y22509C, Y23436C, Y25077C.
Identifiers: ClinVar variation 2631564 (VCV002631564.2), dbSNP rs1001172074, ClinGen allele CA60996276.